The following is an entry in ClinVar:

NM_001031689.3(PLAA):c.284G>A (p.Cys95Tyr)

Gene: PLAA (phospholipase A2 activating protein; minus strand). Cytogenetic location: 9p21.2.
Variant type: single nucleotide variant.
Coding change: c.284G>A on transcript NM_001031689.3 (MANE Select); coding-DNA position 284, G replaced by A.
Protein change: p.Cys95Tyr; replaces cysteine 95 with tyrosine.
Molecular consequence: missense variant.
Genome position (GRCh38, 1-based): chr9:26,935,072, C>T on the plus strand (G>A on the coding strand, the complement: PLAA is on the minus strand). VCF-style: chr9-26935072-C-T. GRCh37 (hg19) VCF-style: chr9-26935070-C-T.
Other names: c.284G>A, p.Cys95Tyr (NM_001321546.2); short protein forms C95Y.
Identifiers: ClinVar variation 1384425 (VCV001384425.6), dbSNP rs2131412917, ClinGen allele CA373111856.

ClinVar aggregate classification (germline): Uncertain significance (1 of 4 stars; one submission).

Submission:

Labcorp Genetics (formerly Invitae), Labcorp
Classification: Uncertain significance. Last evaluated: 2022-06-13. Review status: criteria provided, single submitter. Criteria: Invitae Variant Classification Sherloc (09022015). Collection method: clinical testing. Allele origin: germline.
Comment: In summary, the available evidence is currently insufficient to determine the role of this variant in disease. Therefore, it has been classified as a Variant of Uncertain Significance. Algorithms developed to predict the effect of missense changes on protein structure and function are either unavailable or do not agree on the potential impact of this missense change (SIFT: "Deleterious"; PolyPhen-2: "Benign"; Align-GVGD: "Class C0"). This variant has not been reported in the literature in individuals affected with PLAA-related conditions. This variant is not present in population databases (gnomAD no frequency). This sequence change replaces cysteine, which is neutral and slightly polar, with tyrosine, which is neutral and polar, at codon 95 of the PLAA protein (p.Cys95Tyr).